The following is an entry in ClinVar:

NM_172107.4(KCNQ2):c.195_198del (p.Lys66fs)

Gene: KCNQ2 (potassium voltage-gated channel subfamily Q member 2; minus strand). Cytogenetic location: 20q13.33.
Variant type: Deletion.
Coding change: c.195_198del on transcript NM_172107.4 (MANE Select); coding-DNA positions 195 to 198, 4 bases deleted (GAAG; older notation c.195_198delGAAG).
Protein change: p.Lys66fs; shifts the reading frame from lysine 66.
Molecular consequence: frameshift variant.
Genome position (GRCh38, 1-based): chr20:63,472,266-63,472,269, CTTC deleted on the plus strand (GAAG on the coding strand, the reverse complement: KCNQ2 is on the minus strand); deleting any 4 consecutive bases within chr20:63,472,266-63,472,270 gives the same sequence; the c. name uses the placement nearest the transcript's 3' end. VCF-style (leftmost placement, unchanged base first): chr20-63472265-GCTTC-G. GRCh37 (hg19) VCF-style: chr20-62103618-GCTTC-G.
Other names: c.195_198del, p.Lys66fs (NM_001382235.1, NM_004518.6, NM_172106.3 and 2 more transcripts); short protein forms K66fs.
Identifiers: ClinVar variation 1805909 (VCV001805909.2), dbSNP rs2516744396, ClinGen allele CA2573320531.

ClinVar aggregate classification (germline): Pathogenic (1 of 4 stars; one submission).

Conditions:
Seizures, benign familial neonatal, 1. Also called: Benign Neonatal Epilepsy 1; Seizures, benign neonatal, 1; KCNQ2-Related Benign Familial Neonatal Epilepsy; KCNQ2-Related Self-Limited Familial Neonatal Epilepsy (SLFNE). Identifiers: Orphanet 1949, MedGen C3149074, MONDO:0007365, OMIM 121200.

Submission:

Victorian Clinical Genetics Services, Murdoch Childrens Research Institute
Classification: Pathogenic for Seizures, benign familial neonatal, 1. Last evaluated: 2023-07-16. Review status: criteria provided, single submitter. Criteria: ACMG Guidelines, 2015. Collection method: clinical testing. Allele origin: germline. Inheritance: Autosomal dominant inheritance. Affected: yes.
Comment: Based on the classification scheme VCGS_Germline_v1.3.4, this variant is classified as Pathogenic. Following criteria are met: 0103 - Dominant negative and loss of function are known mechanisms of disease in this gene and are associated with developmental and epileptic encephalopathy 7 (DEE; MIM#613720) and benign neonatal seizures, 1 (BFNS; MIM#121200), respectively (PMID: 20437616). There is currently no phenotypic correlation in terms of variant types or protein location (PMID: 31418850). (I) 0107 - This gene is associated with autosomal dominant disease. (I) 0112 - The condition associated with this gene has incomplete penetrance, however, this is only reported for patients with BFNS (PMID: 25959266). (I) 0201 - Variant is predicted to cause nonsense-mediated decay (NMD) and loss of protein (premature termination codon is located at least 54 nucleotides upstream of the final exon-exon junction). (SP) 0251 - This variant is heterozygous. (I) 0301 - Variant is absent from gnomAD (both v2 and v3). (SP) 0701 - Other NMD-predicted variants comparable to the one identified in this case have very strong previous evidence for pathogenicity (DECIPHER). (SP) 0807 - This variant has no previous evidence of pathogenicity. (I) 0905 - No published segregation evidence has been identified for this variant. (I) 1007 - No published functional evidence has been identified for this variant. (I) 1208 - Inheritance information for this variant is not currently available in this individual. (I) Legend: (SP) - Supporting pathogenic, (I) - Information, (SB) - Supporting benign

Literature cited by the submitters: PubMed 20437616; PubMed 25959266; PubMed 31418850.